The following is an entry in ClinVar:

NM_000038.6(APC):c.2453A>C (p.Asn818Thr)

Gene: APC (APC regulator of Wnt signaling pathway; plus strand). Cytogenetic location: 5q22.2.
Variant type: single nucleotide variant.
Coding change: c.2453A>C on transcript NM_000038.6 (MANE Select); coding-DNA position 2453, A replaced by C.
Protein change: p.Asn818Thr; replaces asparagine 818 with threonine.
Molecular consequence: missense variant.
Genome position (GRCh38, 1-based): chr5:112,838,047, A>C. VCF-style: chr5-112838047-A-C. GRCh37 (hg19) VCF-style: chr5-112173744-A-C.
Other names: c.2453A>C, p.Asn818Thr (NM_001127510.3, NM_001354895.2); c.2399A>C, p.Asn800Thr (NM_001127511.3); c.2507A>C, p.Asn836Thr (NM_001354896.2); c.2483A>C, p.Asn828Thr (NM_001354897.2); c.2378A>C, p.Asn793Thr (NM_001354898.2); c.2369A>C, p.Asn790Thr (NM_001354899.2); c.2330A>C, p.Asn777Thr (NM_001354900.2); c.2276A>C, p.Asn759Thr (NM_001354901.2); and 5 more; short protein forms N800T, N818T, N727T, N793T, N828T, N759T, N836T, N535T.
Identifiers: ClinVar variation 573961 (VCV000573961.11), dbSNP rs1554084177, ClinGen allele CA16026719.

ClinVar aggregate classification (germline): Uncertain significance. Review status: criteria provided, multiple submitters, no conflicts (2 of 4 stars). 2 submissions from 2 submitters: Uncertain significance (2). Last evaluated 2024-06-18.

Conditions:
Familial adenomatous polyposis 1 (FAP1). Also called: POLYPOSIS, ADENOMATOUS INTESTINAL; FAMILIAL ADENOMATOUS POLYPOSIS 1, ATTENUATED. Identifiers: MedGen C2713442, MONDO:0021056, OMIM 175100. Disease mechanism: loss of function.
Hereditary cancer-predisposing syndrome. Also called: Neoplastic Syndromes, Hereditary; Hereditary Cancer Syndrome; Tumor predisposition; Hereditary neoplastic syndrome. Identifiers: Orphanet 140162, MedGen C0027672, MeSH D009386, MONDO:0015356.

gnomAD v4.1: 1 of 1,614,214 alleles (0.000062%); no homozygotes.

Submissions (2):

Labcorp Genetics (formerly Invitae), Labcorp
Classification: Uncertain significance for Familial adenomatous polyposis 1. Last evaluated: 2024-06-18. Review status: criteria provided, single submitter. Criteria: Invitae Variant Classification Sherloc (09022015). Collection method: clinical testing. Allele origin: germline.
Comment: This sequence change replaces asparagine, which is neutral and polar, with threonine, which is neutral and polar, at codon 818 of the APC protein (p.Asn818Thr). This variant is not present in population databases (gnomAD no frequency). This variant has not been reported in the literature in individuals affected with APC-related conditions. ClinVar contains an entry for this variant (Variation ID: 573961). Advanced modeling of protein sequence and biophysical properties (such as structural, functional, and spatial information, amino acid conservation, physicochemical variation, residue mobility, and thermodynamic stability) performed at Invitae indicates that this missense variant is not expected to disrupt APC protein function with a negative predictive value of 95%. In summary, the available evidence is currently insufficient to determine the role of this variant in disease. Therefore, it has been classified as a Variant of Uncertain Significance.

Ambry Genetics
Classification: Uncertain significance for Hereditary cancer-predisposing syndrome. Last evaluated: 2023-08-15. Review status: criteria provided, single submitter. Criteria: Ambry Variant Classification Scheme 2023. Collection method: clinical testing. Allele origin: germline.
Comment: The p.N818T variant (also known as c.2453A>C), located in coding exon 15 of the APC gene, results from an A to C substitution at nucleotide position 2453. The asparagine at codon 818 is replaced by threonine, an amino acid with similar properties. This amino acid position is well conserved in available vertebrate species. In addition, in silico predictors for this gene do not accurately predict pathogenicity. Since supporting evidence is limited at this time, the clinical significance of this alteration remains unclear.